The following is an entry in ClinVar:

NM_001287491.2(TET3):c.5112C>G (p.His1704Gln)

Gene: TET3 (tet methylcytosine dioxygenase 3; plus strand). Cytogenetic location: 2p13.1.
Variant type: single nucleotide variant.
Coding change: c.5112C>G on transcript NM_001287491.2 (MANE Select); coding-DNA position 5112, C replaced by G.
Protein change: p.His1704Gln; replaces histidine 1704 with glutamine.
Molecular consequence: missense variant.
Genome position (GRCh38, 1-based): chr2:74,101,900, C>G. VCF-style: chr2-74101900-C-G. GRCh37 (hg19) VCF-style: chr2-74329027-C-G.
Other names: c.4833C>G, p.His1611Gln (NM_001366022.1); c.4707C>G, p.His1569Gln (NM_144993.1); short protein forms H1569Q, H1611Q, H1704Q.
Identifiers: ClinVar variation 2430507 (VCV002430507.1), dbSNP rs557382174, ClinGen allele CA347323909.

ClinVar aggregate classification (germline): Uncertain significance (1 of 4 stars; one submission).

Submission:

GeneDx
Classification: Uncertain significance. Last evaluated: 2022-08-24. Review status: criteria provided, single submitter. Criteria: GeneDx Variant Classification Process June 2021. Collection method: clinical testing. Allele origin: germline. Affected: yes.
Comment: Not observed at significant frequency in large population cohorts (gnomAD); In silico analysis supports that this missense variant has a deleterious effect on protein structure/function; Has not been previously published as pathogenic or benign to our knowledge